The following is an entry in ClinVar:

ClinVar aggregate classification (germline): Conflicting classifications of pathogenicity. Review status: criteria provided, conflicting classifications (1 of 4 stars). 2 submissions from 2 submitters: Pathogenic (1); Uncertain significance (1). Last evaluated 2025-09-02.

Conditions:
Hereditary cancer-predisposing syndrome. Also called: Tumor predisposition; Hereditary Cancer Syndrome; Hereditary neoplastic syndrome; Neoplastic Syndromes, Hereditary. Identifiers: Orphanet 140162, MedGen C0027672, MeSH D009386, MONDO:0015356.

Allele frequency attached by ClinVar (database versions not stated): gnomAD exomes below 0.00001.
gnomAD v4.1: 1 of 1,614,044 alleles (0.000062%); highest among the groups gnomAD compares: East Asian, 0.0022%; no homozygotes.

Submissions (2):

Ambry Genetics
Classification: Uncertain significance for Hereditary cancer-predisposing syndrome. Last evaluated: 2025-09-02. Review status: criteria provided, single submitter. Criteria: Ambry Variant Classification Scheme 2023. Collection method: clinical testing. Allele origin: germline.
Comment: The p.Q214* variant (also known as c.640C>T), located in coding exon 7 of the POLE gene, results from a C to T substitution at nucleotide position 640. This changes the amino acid from a glutamine to a stop codon within coding exon 7. This alteration is expected to result in loss of function by premature protein truncation or nonsense-mediated mRNA decay. Although biallelic loss of function of POLE has been associated with autosomal recessive POLE deficiency, haploinsufficiency of POLE has not been established as a mechanism of disease for POLE-related polymerase proofreading-associated polyposis (PPAP) and POLE-related CMMRD-like syndrome. Based on the supporting evidence, this variant is expected to be causative of POLE deficiency when present along with a second pathogenic variant on the other allele; however, its clinical significance for PPAP and POLE-related CMMRD-like syndrome is unclear.

Labcorp Genetics (formerly Invitae), Labcorp
Classification: Pathogenic. Last evaluated: 2025-08-22. Review status: criteria provided, single submitter. Criteria: Invitae Variant Classification Sherloc (09022015). Collection method: clinical testing. Allele origin: germline.
Comment: This sequence change creates a premature translational stop signal (p.Gln214*) in the POLE gene. It is expected to result in an absent or disrupted protein product. Loss-of-function variants in POLE are known to be pathogenic (PMID: 23230001, 25948378, 30503519). This variant is not present in population databases (gnomAD no frequency). This variant has not been reported in the literature in individuals affected with POLE-related conditions. ClinVar contains an entry for this variant (Variation ID: 2091840). For these reasons, this variant has been classified as Pathogenic.

Literature cited by the submitters: PubMed 23230001 (cited by Labcorp Genetics (formerly Invitae), Labcorp); PubMed 25948378 (cited by Labcorp Genetics (formerly Invitae), Labcorp); PubMed 30503519 (cited by Labcorp Genetics (formerly Invitae), Labcorp).

NM_006231.4(POLE):c.640C>T (p.Gln214Ter)

Gene: POLE (DNA polymerase epsilon, catalytic subunit; minus strand). Cytogenetic location: 12q24.33.
Variant type: single nucleotide variant.
Coding change: c.640C>T on transcript NM_006231.4 (MANE Select); coding-DNA position 640, C replaced by T.
Protein change: p.Gln214Ter; replaces glutamine 214 with a stop codon.
Molecular consequence: nonsense.
Genome position (GRCh38, 1-based): chr12:132,677,658, G>A on the plus strand (C>T on the coding strand, the complement: POLE is on the minus strand). VCF-style: chr12-132677658-G-A. GRCh37 (hg19) VCF-style: chr12-133254244-G-A.
Other names: c.640C>T (NM_006231.2); short protein forms Q214*.
Identifiers: ClinVar variation 2091840 (VCV002091840.5), dbSNP rs2043086264, ClinGen allele CA387365152.